The following is an entry in ClinVar:

ClinVar aggregate classification (germline): Conflicting classifications of pathogenicity. Review status: criteria provided, conflicting classifications (1 of 4 stars). 6 submissions from 6 submitters: Likely pathogenic (3); Uncertain significance (2). 1 of the submissions does not count toward it. Last evaluated 2025-07-08.

Conditions:
Tuberous sclerosis syndrome (TSC). Also called: Tuberous Sclerosis Complex; Tuberous sclerosis. Identifiers: Orphanet 805, MedGen C0041341, MONDO:0001734.
Tuberous sclerosis 2 (TSC2). Identifiers: Orphanet 805, MedGen C1860707, MONDO:0013199, OMIM 613254.

Submissions (6):

GeneDx
Classification: Likely pathogenic. Last evaluated: 2025-07-08. Review status: criteria provided, single submitter. Criteria: GeneDx Variant Classification Process June 2021. Collection method: clinical testing. Allele origin: germline.
Comment: Published functional studies demonstrate that this variant has a damaging affect on TSC1-TSC2 complex formation (PMID: 22903760); Not observed at significant frequency in large population cohorts (gnomAD); In silico analysis supports that this missense variant has a deleterious effect on protein structure/function; This variant is associated with the following publications: (PMID: 18466115, 37021343, 22903760)

3billion
Classification: Likely pathogenic for Tuberous sclerosis 2. Last evaluated: 2024-11-27. Review status: criteria provided, single submitter. Criteria: ACMG Guidelines, 2015. Collection method: clinical testing. Allele origin: germline. Affected: yes.
Comment: The variant is not observed in the gnomAD v4.1.0 dataset. Predicted Consequence/Location: Missense variant. The majority of the known disease-causing variants of this gene are variants expected to result in premature termination of the protein. Functional studies provide moderate evidence of the variant having a damaging effect on the gene or gene product (PMID: 22903760). In silico tool predictions suggest damaging effect of the variant on gene or gene product [REVEL: 0.94 (>=0.6, sensitivity 0.68 and specificity 0.92)]. The same nucleotide change resulting in the same amino acid change has been previously reported to be associated with TSC2-related disorder (ClinVar ID: VCV000049680 /PMID: 22903760). Therefore, this variant is classified as Likely pathogenic according to the recommendation of ACMG/AMP guideline.

Labcorp Genetics (formerly Invitae), Labcorp
Classification: Uncertain significance for Tuberous sclerosis 2. Last evaluated: 2022-07-18. Review status: criteria provided, single submitter. Criteria: Invitae Variant Classification Sherloc (09022015). Collection method: clinical testing. Allele origin: germline.
Comment: This sequence change replaces leucine, which is neutral and non-polar, with arginine, which is basic and polar, at codon 410 of the TSC2 protein (p.Leu410Arg). This variant is not present in population databases (gnomAD no frequency). This missense change has been observed in individuals with clinical features of tuberous sclerosis complex (PMID: 22903760; Invitae). ClinVar contains an entry for this variant (Variation ID: 49680). Algorithms developed to predict the effect of missense changes on protein structure and function (SIFT, PolyPhen-2, Align-GVGD) all suggest that this variant is likely to be disruptive. Experimental studies have shown that this missense change affects TSC2 function (PMID: 22903760). In summary, the available evidence is currently insufficient to determine the role of this variant in disease. Therefore, it has been classified as a Variant of Uncertain Significance.

Genome-Nilou Lab
Classification: Uncertain significance for Tuberous sclerosis 2. Last evaluated: 2021-11-07. Review status: criteria provided, single submitter. Criteria: ACMG Guidelines, 2015. Collection method: clinical testing. Allele origin: germline. Affected: no.

Athena Diagnostics
Classification: Likely pathogenic for Tuberous sclerosis 2. Last evaluated: 2015-08-27. Review status: criteria provided, single submitter. Criteria: Athena Diagnostics Criteria. Collection method: clinical testing. Allele origin: germline. Inheritance: Autosomal dominant inheritance.

Tuberous sclerosis database (TSC2)
No classification provided. Condition: TSC. Review status: no classification provided. Criteria: Tuberous Sclerosis Database Assertion Criteria 2015. Collection method: curation. Allele origin: germline. Affected: yes. Not counted in ClinVar's aggregate classification.

Literature cited by the submitters: PubMed 22903760 (cited by 3 submitters).

NM_000548.5(TSC2):c.1229T>G (p.Leu410Arg)

Gene: TSC2 (TSC complex subunit 2; plus strand). Cytogenetic location: 16p13.3.
Variant type: single nucleotide variant.
Coding change: c.1229T>G on transcript NM_000548.5 (MANE Select); coding-DNA position 1229, T replaced by G.
Protein change: p.Leu410Arg; replaces leucine 410 with arginine.
Molecular consequence: missense variant.
Genome position (GRCh38, 1-based): chr16:2,061,980, T>G. VCF-style: chr16-2061980-T-G. GRCh37 (hg19) VCF-style: chr16-2111981-T-G.
Other names: c.1229T>G, p.Leu410Arg (NM_001077183.3, NM_001114382.3, NM_001363528.2 and 3 more transcripts); c.1118T>G, p.Leu373Arg (NM_001318827.2); c.1082T>G, p.Leu361Arg (NM_001318829.2); c.629T>G, p.Leu210Arg (NM_001318831.2); c.1262T>G, p.Leu421Arg (NM_001318832.2); short protein forms L410R, L361R, L421R, L210R, L373R.
Identifiers: ClinVar variation 49680 (VCV000049680.15), dbSNP rs137854298, ClinGen allele CA014118.
Genomic context (GRCh38, chr16:2,061,980, plus strand): 5'-CGGTGGAGGAGCTGTGTGACCAGAACGAGTTCCACGGGTCTCAGGAGAGATACTTTGAAC[T>G]GGTGGAGAGATGTGCGGACCAGAGGCCTGTGAGACCCCCTCCTGGGTGGGGCCTTTGGGC-3'
Protein context (NP_000539.2, residues 400-420): FHGSQERYFE[Leu410Arg]VERCADQRPE